The following is an entry in ClinVar:

NM_031475.3(ESPN):c.2502G>A (p.Glu834=)

Gene: ESPN (espin; plus strand). Cytogenetic location: 1p36.31.
Variant type: single nucleotide variant.
Coding change: c.2502G>A on transcript NM_031475.3 (MANE Select); coding-DNA position 2502, G replaced by A.
Protein change: p.Glu834=; no amino-acid change (glutamic acid 834 retained).
Molecular consequence: synonymous variant.
Genome position (GRCh38, 1-based): chr1:6,460,083, G>A. VCF-style: chr1-6460083-G-A. GRCh37 (hg19) VCF-style: chr1-6520143-G-A.
Other names: c.2412G>A, p.Glu804= (NM_001367473.1); c.2439G>A, p.Glu813= (NM_001367474.1).
Identifiers: ClinVar variation 1120137 (VCV001120137.4), dbSNP rs1644131182, ClinGen allele CA415830635.

ClinVar aggregate classification (germline): Likely benign (1 of 4 stars; one submission).

Allele frequency attached by ClinVar (database versions not stated): gnomAD exomes below 0.00001; TOPMed below 0.00001.
gnomAD v4.1: 2 of 1,613,480 alleles (0.00012%); highest among the groups gnomAD compares: Non-Finnish European, 0.00017%; no homozygotes.

Submission:

Laboratory for Molecular Medicine, Mass General Brigham Personalized Medicine
Classification: Likely benign. Last evaluated: 2020-11-04. Review status: criteria provided, single submitter. Criteria: LMM Criteria. Collection method: clinical testing. Allele origin: germline. Observed: 1 variant allele.
Comment: The p.Glu834Glu variant in ESPN is classified as likely benign because it does not alter an amino acid residue, it is not located within the splice consensus sequence, and splice prediction algorithms do not predict a newly created splice site. ACMG/AMP Criteria applied: BP4, BP7.